The following is an entry in ClinVar:

NM_001349884.2(DRAM2):c.607G>A (p.Val203Met)

Gene: DRAM2 (DNA damage regulated autophagy modulator 2; minus strand). Cytogenetic location: 1p13.3.
Variant type: single nucleotide variant.
Coding change: c.607G>A on transcript NM_001349884.2 (MANE Select); coding-DNA position 607, G replaced by A.
Protein change: p.Val203Met; replaces valine 203 with methionine.
Molecular consequence: missense variant. On other transcripts: non-coding transcript variant (8).
Genome position (GRCh38, 1-based): chr1:111,118,891, C>T on the plus strand (G>A on the coding strand, the complement: DRAM2 is on the minus strand). VCF-style: chr1-111118891-C-T. GRCh37 (hg19) VCF-style: chr1-111661513-C-T.
Other names: c.607G>A, p.Val203Met (NM_001349881.2, NM_001349882.2, NM_001349885.2 and 1 more transcripts); c.337G>A, p.Val113Met (NM_001349886.2, NM_001349887.2, NM_001349888.2); c.217G>A, p.Val73Met (NM_001349889.2, NM_001349890.2, NM_001349891.2 and 2 more transcripts); c.607G>A (NM_178454.4); short protein forms V113M, V203M, V73M.
Identifiers: ClinVar variation 1059882 (VCV001059882.7), dbSNP rs147613573, ClinGen allele CA1001774.
Genomic context (GRCh38, chr1:111,118,891, plus strand): 5'-AAAAACCAAAGAAGGAAAATGACATAGACCATTCTGCTGCAGTAGTGATCATGTGAAGCA[C>T]ATAACCCTGAGTGATGGGAAAAAAAGAATAGTTTTGTGAAATTTCATTTAAACGATCTAT-3'
Protein context (NP_001336813.1, residues 193-213): LHWNPEDKGY[Val203Met]LHMITTAAEW

ClinVar aggregate classification (germline): Uncertain significance. Review status: criteria provided, multiple submitters, no conflicts (2 of 4 stars). 2 submissions from 2 submitters: Uncertain significance (2). Last evaluated 2024-07-16.

Conditions:
Inborn genetic diseases. Identifiers: MedGen C0950123, MeSH D030342.

Allele frequency attached by ClinVar (database versions not stated): gnomAD 0.00002 and 0.00003; TOPMed 0.00004; ExAC 0.00006; 1000 Genomes Project 0.00020; 1000 Genomes Project 30x 0.00031.
gnomAD v4.1: 24 of 1,605,238 alleles (0.0015%); highest among the groups gnomAD compares: East Asian, 0.052%; no homozygotes.

Submissions (2):

Ambry Genetics
Classification: Uncertain significance for Inborn genetic diseases. Last evaluated: 2024-07-16. Review status: criteria provided, single submitter. Criteria: Ambry Variant Classification Scheme 2023. Collection method: clinical testing. Allele origin: germline.

Labcorp Genetics (formerly Invitae), Labcorp
Classification: Uncertain significance. Last evaluated: 2024-02-24. Review status: criteria provided, single submitter. Criteria: Invitae Variant Classification Sherloc (09022015). Collection method: clinical testing. Allele origin: germline.
Comment: This sequence change replaces valine, which is neutral and non-polar, with methionine, which is neutral and non-polar, at codon 203 of the DRAM2 protein (p.Val203Met). This variant is present in population databases (rs147613573, gnomAD 0.08%). This variant has not been reported in the literature in individuals affected with DRAM2-related conditions. ClinVar contains an entry for this variant (Variation ID: 1059882). Advanced modeling of protein sequence and biophysical properties (such as structural, functional, and spatial information, amino acid conservation, physicochemical variation, residue mobility, and thermodynamic stability) performed at Invitae indicates that this missense variant is not expected to disrupt DRAM2 protein function with a negative predictive value of 80%. In summary, the available evidence is currently insufficient to determine the role of this variant in disease. Therefore, it has been classified as a Variant of Uncertain Significance.